The following is an entry in ClinVar:

NM_001486.4(GCKR):c.629C>A (p.Pro210Gln)

Gene: GCKR (glucokinase regulator; plus strand). Cytogenetic location: 2p23.3.
Variant type: single nucleotide variant.
Coding change: c.629C>A on transcript NM_001486.4 (MANE Select); coding-DNA position 629, C replaced by A.
Protein change: p.Pro210Gln; replaces proline 210 with glutamine.
Molecular consequence: missense variant.
Genome position (GRCh38, 1-based): chr2:27,501,214, C>A. VCF-style: chr2-27501214-C-A. GRCh37 (hg19) VCF-style: chr2-27724081-C-A.
Other names: short protein forms P210Q.
Identifiers: ClinVar variation 2663381 (VCV002663381.1), dbSNP rs2466098789, ClinGen allele CA346414697.

ClinVar aggregate classification (germline): Uncertain significance (1 of 4 stars; one submission).

Submission:

GeneDx
Classification: Uncertain significance. Last evaluated: 2023-04-24. Review status: criteria provided, single submitter. Criteria: GeneDx Variant Classification Process June 2021. Collection method: clinical testing. Allele origin: germline. Affected: yes.
Comment: Has not been previously published as pathogenic or benign to our knowledge; Not observed at significant frequency in large population cohorts (gnomAD); In silico analysis supports that this missense variant has a deleterious effect on protein structure/function